The following is an entry in ClinVar:

NM_001184900.3(CARD8):c.456C>G (p.Ile152Met)

Gene: CARD8 (caspase recruitment domain family member 8; minus strand). Cytogenetic location: 19q13.33.
Variant type: single nucleotide variant.
Coding change: c.456C>G on transcript NM_001184900.3 (MANE Select); coding-DNA position 456, C replaced by G.
Protein change: p.Ile152Met; replaces isoleucine 152 with methionine.
Molecular consequence: missense variant. On other transcripts: non-coding transcript variant (4).
Genome position (GRCh38, 1-based): chr19:48,231,746, G>C on the plus strand (C>G on the coding strand, the complement: CARD8 is on the minus strand). VCF-style: chr19-48231746-G-C. GRCh37 (hg19) VCF-style: chr19-48735003-G-C.
Other names: c.306C>G, p.Ile102Met (NM_001184901.1, NM_001351783.2, NM_001351788.2 and 2 more transcripts); c.456C>G, p.Ile152Met (NM_001184902.2, NM_001184903.1, NM_001351782.2); c.141C>G, p.Ile47Met (NM_001351784.2, NM_001351787.2, NM_001351791.2 and 2 more transcripts); c.120C>G, p.Ile40Met (NM_001351786.2); c.213C>G, p.Ile71Met (NM_001351790.2); c.-367C>G (NM_001426741.1); short protein forms I102M, I47M, I152M, I40M, I71M.
Identifiers: ClinVar variation 2808394 (VCV002808394.3), dbSNP rs372775777, ClinGen allele CA309290484.

ClinVar aggregate classification (germline): Uncertain significance (1 of 4 stars; one submission).

gnomAD v4.1: 1 of 1,613,228 alleles (0.000062%); highest among the groups gnomAD compares: Non-Finnish European, 0.000085%; no homozygotes.

Submission:

Labcorp Genetics (formerly Invitae), Labcorp
Classification: Uncertain significance. Last evaluated: 2023-01-15. Review status: criteria provided, single submitter. Criteria: Invitae Variant Classification Sherloc (09022015). Collection method: clinical testing. Allele origin: germline.
Comment: In summary, the available evidence is currently insufficient to determine the role of this variant in disease. Therefore, it has been classified as a Variant of Uncertain Significance. Algorithms developed to predict the effect of missense changes on protein structure and function are either unavailable or do not agree on the potential impact of this missense change (SIFT: "Deleterious"; PolyPhen-2: "Benign"; Align-GVGD: "Class C0"). This variant has not been reported in the literature in individuals affected with CARD8-related conditions. This variant is not present in population databases (gnomAD no frequency). This sequence change replaces isoleucine, which is neutral and non-polar, with methionine, which is neutral and non-polar, at codon 102 of the CARD8 protein (p.Ile102Met).